The following is an entry in ClinVar:

ClinVar aggregate classification (germline): Benign/Likely benign. Review status: criteria provided, multiple submitters, no conflicts (2 of 4 stars). 2 submissions from 2 submitters: Benign (1); Likely benign (1). Last evaluated 2026-01-28.

Conditions:
Alpha thalassemia-X-linked intellectual disability syndrome (ATRX). Also called: X-linked alpha-thalassemia-mental retardation syndrome; ALPHA-THALASSEMIA/IMPAIRED INTELLECTUAL DEVELOPMENT SYNDROME, X-LINKED; ALPHA-THALASSEMIA/MENTAL RETARDATION SYNDROME, X-LINKED; ATR, NONDELETION TYPE; ATR-X syndrome; Alpha thalassemia mental retardation syndrome, nondeletion type, X-linked. Identifiers: Orphanet 847, MedGen C1845055, MONDO:0010519, OMIM 301040.

Allele frequency attached by ClinVar (database versions not stated): TOPMed 0.00002; ExAC 0.00003; 1000 Genomes Project 0.00026; gnomAD 0.00003 and 0.00002; gnomAD exomes 0.00004 and 0.00005; 1000 Genomes Project 30x 0.00021.
gnomAD v4.1: 51 of 1,210,451 alleles (0.0042%); highest among the groups gnomAD compares: Middle Eastern, 0.046%; no homozygotes.

Submissions (2):

Labcorp Genetics (formerly Invitae), Labcorp
Classification: Benign for Alpha thalassemia-X-linked intellectual disability syndrome. Last evaluated: 2026-01-28. Review status: criteria provided, single submitter. Criteria: Invitae Variant Classification Sherloc (09022015). Collection method: clinical testing. Allele origin: germline.

CeGaT Center for Human Genetics Tuebingen
Classification: Likely benign. Last evaluated: 2024-01-01. Review status: criteria provided, single submitter. Criteria: CeGaT Center For Human Genetics Tuebingen Variant Classification Criteria Version 2. Collection method: clinical testing. Allele origin: germline. Affected: yes. Observed: 1 variant allele.
Comment: ATRX: PP2, PP3, BS2

NM_000489.6(ATRX):c.7229T>C (p.Met2410Thr)

Gene: ATRX (ATRX chromatin remodeler; minus strand). Cytogenetic location: Xq21.1.
Variant type: single nucleotide variant.
Coding change: c.7229T>C on transcript NM_000489.6 (MANE Select); coding-DNA position 7229, T replaced by C.
Protein change: p.Met2410Thr; replaces methionine 2410 with threonine.
Molecular consequence: missense variant.
Genome position (GRCh38, 1-based): chrX:77,508,601, A>G on the plus strand (T>C on the coding strand, the complement: ATRX is on the minus strand). VCF-style: chrX-77508601-A-G. GRCh37 (hg19) VCF-style: chrX-76764079-A-G.
Other names: c.7115T>C, p.Met2372Thr (NM_138270.5); short protein forms M2372T, M2410T.
Identifiers: ClinVar variation 1165043 (VCV001165043.31), dbSNP rs782388992, ClinGen allele CA10457401.